The following is an entry in ClinVar:

ClinVar aggregate classification (germline): Uncertain significance (1 of 4 stars; one submission).

Conditions:
Emery-Dreifuss muscular dystrophy 4, autosomal dominant (EDMD4). Also called: EMERY-DREIFUSS MUSCULAR DYSTROPHY 4 WITH VARIABLE FEATURES. Identifiers: Orphanet 261, MedGen C2751807, MONDO:0013071, OMIM 612998.
Autosomal recessive ataxia, Beauce type. Also called: Spinocerebellar ataxia, autosomal recessive 8; ATAXIA, RECESSIVE, OF BEAUCE; SYNE1 Deficiency; SYNE1-Related Autosomal Recessive Cerebellar Ataxia. Identifiers: Orphanet 88644, MedGen C1853116, MONDO:0012549, OMIM 610743.

Allele frequency attached by ClinVar (database versions not stated): gnomAD exomes below 0.00001.
gnomAD v4.1: 2 of 1,614,122 alleles (0.00012%); highest among the groups gnomAD compares: East Asian, 0.0045%; no homozygotes.

Submission:

Labcorp Genetics (formerly Invitae), Labcorp
Classification: Uncertain significance for Emery-Dreifuss muscular dystrophy 4, autosomal dominant; Autosomal recessive ataxia, Beauce type. Last evaluated: 2021-04-10. Review status: criteria provided, single submitter. Criteria: Invitae Variant Classification Sherloc (09022015). Collection method: clinical testing. Allele origin: germline.
Comment: In summary, the available evidence is currently insufficient to determine the role of this variant in disease. Therefore, it has been classified as a Variant of Uncertain Significance. Algorithms developed to predict the effect of missense changes on protein structure and function are either unavailable or do not agree on the potential impact of this missense change (SIFT: "Deleterious"; PolyPhen-2: "Benign"; Align-GVGD: "Class C65"). This variant has not been reported in the literature in individuals with SYNE1-related conditions. This variant is not present in population databases (ExAC no frequency). This sequence change replaces proline with leucine at codon 2766 of the SYNE1 protein (p.Pro2766Leu). The proline residue is highly conserved and there is a moderate physicochemical difference between proline and leucine.

NM_182961.4(SYNE1):c.8276C>T (p.Pro2759Leu)

Gene: SYNE1 (spectrin repeat containing nuclear envelope protein 1; minus strand). Cytogenetic location: 6q25.2.
Variant type: single nucleotide variant.
Coding change: c.8276C>T on transcript NM_182961.4 (MANE Select); coding-DNA position 8276, C replaced by T.
Protein change: p.Pro2759Leu; replaces proline 2759 with leucine.
Molecular consequence: missense variant.
Genome position (GRCh38, 1-based): chr6:152,387,283, G>A on the plus strand (C>T on the coding strand, the complement: SYNE1 is on the minus strand). VCF-style: chr6-152387283-G-A. GRCh37 (hg19) VCF-style: chr6-152708418-G-A.
Other names: c.8297C>T, p.Pro2766Leu (NM_033071.5); short protein forms P2766L, P2759L.
Identifiers: ClinVar variation 1525076 (VCV001525076.8), dbSNP rs1438857220, ClinGen allele CA366146886.